The following is an entry in ClinVar:

NM_000308.4(CTSA):c.1073A>G (p.Gln358Arg)

Gene: CTSA (cathepsin A; plus strand). Cytogenetic location: 20q13.12.
Variant type: single nucleotide variant.
Coding change: c.1073A>G on transcript NM_000308.4 (MANE Select); coding-DNA position 1073, A replaced by G.
Protein change: p.Gln358Arg; replaces glutamine 358 with arginine.
Molecular consequence: missense variant. On other transcripts: non-coding transcript variant (1).
Genome position (GRCh38, 1-based): chr20:45,895,118, A>G. VCF-style: chr20-45895118-A-G. GRCh37 (hg19) VCF-style: chr20-44523757-A-G.
Other names: c.1127A>G (NM_000308.2); c.1073A>G, p.Gln358Arg (NM_001127695.3); c.1022A>G, p.Gln341Arg (NM_001167594.3); short protein forms Q341R, Q358R.
Identifiers: ClinVar variation 2186396 (VCV002186396.3), dbSNP rs543752177, ClinGen allele CA315665150.

ClinVar aggregate classification (germline): Conflicting classifications of pathogenicity. Review status: criteria provided, conflicting classifications (1 of 4 stars). 2 submissions from 2 submitters: Uncertain significance (1); Likely benign (1). Last evaluated 2025-12-03.

Conditions:
Inborn genetic diseases. Identifiers: MedGen C0950123, MeSH D030342.
Combined deficiency of sialidase AND beta galactosidase (GSL). Also called: CATHEPSIN A DEFICIENCY; GOLDBERG SYNDROME; NEURAMINIDASE DEFICIENCY WITH BETA-GALACTOSIDASE DEFICIENCY; NEURAMINIDASE/BETA-GALACTOSIDASE EXPRESSION; PPCA DEFICIENCY; PROTECTIVE PROTEIN/CATHEPSIN A DEFICIENCY. Identifiers: Orphanet 351, MedGen C0268233, MONDO:0009737, OMIM 256540.

Submissions (2):

Labcorp Genetics (formerly Invitae), Labcorp
Classification: Uncertain significance for Combined deficiency of sialidase AND beta galactosidase. Last evaluated: 2025-12-03. Review status: criteria provided, single submitter. Criteria: Invitae Variant Classification Sherloc (09022015). Collection method: clinical testing. Allele origin: germline.
Comment: This sequence change replaces glutamine, which is neutral and polar, with arginine, which is basic and polar, at codon 376 of the CTSA protein (p.Gln376Arg). This variant is present in population databases (no rsID available, gnomAD 0.003%). This variant has not been reported in the literature in individuals affected with CTSA-related conditions. ClinVar contains an entry for this variant (Variation ID: 2186396). Invitae Evidence Modeling of protein sequence and biophysical properties (such as structural, functional, and spatial information, amino acid conservation, physicochemical variation, residue mobility, and thermodynamic stability) indicates that this missense variant is not expected to disrupt CTSA protein function with a negative predictive value of 80%. In summary, the available evidence is currently insufficient to determine the role of this variant in disease. Therefore, it has been classified as a Variant of Uncertain Significance.

Ambry Genetics
Classification: Likely benign for Inborn genetic diseases. Last evaluated: 2024-10-20. Review status: criteria provided, single submitter. Criteria: Ambry Variant Classification Scheme 2023. Collection method: clinical testing. Allele origin: germline.